The following is an entry in ClinVar:

NM_000075.4(CDK4):c.838C>T (p.Pro280Ser)

Genes: CDK4 (cyclin dependent kinase 4; minus strand), TSPAN31 (tetraspanin 31; plus strand). Cytogenetic location: 12q14.1.
Variant type: single nucleotide variant.
Coding change: c.838C>T on transcript NM_000075.4 (MANE Select); coding-DNA position 838, C replaced by T.
Protein change: p.Pro280Ser; replaces proline 280 with serine.
Molecular consequence: missense variant. On other transcripts: 3 prime UTR variant (3).
Genome position (GRCh38, 1-based): chr12:57,748,599, G>A on the plus strand (C>T on the coding strand, the complement: CDK4 is on the minus strand). VCF-style: chr12-57748599-G-A. GRCh37 (hg19) VCF-style: chr12-58142382-G-A.
Other names: c.*1309G>A (NM_001330168.2, NM_001330169.2, NM_005981.5); short protein forms P280S.
Identifiers: ClinVar variation 652816 (VCV000652816.14), dbSNP rs1299577422, ClinGen allele CA385542546.
Genomic context (GRCh38, chr12:57,748,599, plus strand): 5'-CTTCATCCTTATGTAGATAAGAGTGCTGCAGAGCTCGAAAGGCAGAGATTCGCTTGTGTG[G>A]GTTAAAAGTCAGCATTTCCTGAGGGGAGAGGCAAAGGTCAGAAAACCATGAAGAAAACAG-3'
Protein context (NP_000066.1, residues 270-290): QLLLEMLTFN[Pro280Ser]HKRISAFRAL

ClinVar aggregate classification (germline): Uncertain significance. Review status: criteria provided, multiple submitters, no conflicts (2 of 4 stars). 2 submissions from 2 submitters: Uncertain significance (2). Last evaluated 2025-12-16.

Conditions:
Familial melanoma. Also called: Hereditary melanoma; Hereditary cutaneous melanoma. Identifiers: Orphanet 618, MedGen C1512419, MONDO:0018961.
Hereditary cancer-predisposing syndrome. Also called: Neoplastic Syndromes, Hereditary; Hereditary neoplastic syndrome; Tumor predisposition; Hereditary Cancer Syndrome. Identifiers: Orphanet 140162, MedGen C0027672, MeSH D009386, MONDO:0015356.

Allele frequency attached by ClinVar (database versions not stated): TOPMed below 0.00001; gnomAD 0.00001.
gnomAD v4.1: 9 of 1,613,590 alleles (0.00056%); highest among the groups gnomAD compares: Non-Finnish European, 0.00076%; no homozygotes.

Submissions (2):

Ambry Genetics
Classification: Uncertain significance for Hereditary cancer-predisposing syndrome. Last evaluated: 2025-12-16. Review status: criteria provided, single submitter. Criteria: Ambry Variant Classification Scheme 2023. Collection method: clinical testing. Allele origin: germline.
Comment: The p.P280S variant (also known as c.838C>T), located in coding exon 7 of the CDK4 gene, results from a C to T substitution at nucleotide position 838. The proline at codon 280 is replaced by serine, an amino acid with similar properties. This amino acid position is highly conserved in available vertebrate species. In addition, the in silico prediction for this alteration is inconclusive. Based on the available evidence, the clinical significance of this variant remains unclear.

Labcorp Genetics (formerly Invitae), Labcorp
Classification: Uncertain significance for Familial melanoma. Last evaluated: 2025-03-20. Review status: criteria provided, single submitter. Criteria: Invitae Variant Classification Sherloc (09022015). Collection method: clinical testing. Allele origin: germline.
Comment: This sequence change replaces proline, which is neutral and non-polar, with serine, which is neutral and polar, at codon 280 of the CDK4 protein (p.Pro280Ser). This variant is not present in population databases (gnomAD no frequency). This variant has not been reported in the literature in individuals affected with CDK4-related conditions. ClinVar contains an entry for this variant (Variation ID: 652816). An algorithm developed to predict the effect of missense changes on protein structure and function (PolyPhen-2) suggests that this variant is likely to be tolerated. In summary, the available evidence is currently insufficient to determine the role of this variant in disease. Therefore, it has been classified as a Variant of Uncertain Significance.